The following is an entry in ClinVar:

NM_001183.6(ATP6AP1):c.1196A>G (p.Asp399Gly)

Gene: ATP6AP1 (ATPase H+ transporting accessory protein 1; plus strand). Cytogenetic location: Xq28.
Variant type: single nucleotide variant.
Coding change: c.1196A>G on transcript NM_001183.6 (MANE Select); coding-DNA position 1196, A replaced by G.
Protein change: p.Asp399Gly; replaces aspartic acid 399 with glycine.
Molecular consequence: missense variant.
Genome position (GRCh38, 1-based): chrX:154,435,498, A>G. VCF-style: chrX-154435498-A-G. GRCh37 (hg19) VCF-style: chrX-153663844-A-G.
Other names: short protein forms D399G.
Identifiers: ClinVar variation 3608548 (VCV003608548.2).

ClinVar aggregate classification (germline): Uncertain significance (1 of 4 stars; one submission).

Submission:

Labcorp Genetics (formerly Invitae), Labcorp
Classification: Uncertain significance. Last evaluated: 2024-08-29. Review status: criteria provided, single submitter. Criteria: Invitae Variant Classification Sherloc (09022015). Collection method: clinical testing. Allele origin: germline.
Comment: This sequence change replaces aspartic acid, which is acidic and polar, with glycine, which is neutral and non-polar, at codon 399 of the ATP6AP1 protein (p.Asp399Gly). This variant is not present in population databases (gnomAD no frequency). This variant has not been reported in the literature in individuals affected with ATP6AP1-related conditions. Invitae Evidence Modeling of protein sequence and biophysical properties (such as structural, functional, and spatial information, amino acid conservation, physicochemical variation, residue mobility, and thermodynamic stability) indicates that this missense variant is not expected to disrupt ATP6AP1 protein function with a negative predictive value of 80%. In summary, the available evidence is currently insufficient to determine the role of this variant in disease. Therefore, it has been classified as a Variant of Uncertain Significance.